The following is an entry in ClinVar:

ClinVar aggregate classification (germline): Benign/Likely benign. Review status: criteria provided, multiple submitters, no conflicts (2 of 4 stars). 4 submissions from 4 submitters: Benign (1); Likely benign (3). Last evaluated 2026-01-19.

Conditions:
Cardiovascular phenotype. Identifiers: MedGen CN230736.

Allele frequency attached by ClinVar (database versions not stated): gnomAD 0.00002 and 0.00005; gnomAD exomes 0.00004 and 0.00024; TOPMed 0.00009; 1000 Genomes Project 30x 0.00016.
gnomAD v4.1: 75 of 1,549,752 alleles (0.0048%); highest among the groups gnomAD compares: East Asian, 0.13%; no homozygotes.

Submissions (4):

Labcorp Genetics (formerly Invitae), Labcorp
Classification: Benign. Last evaluated: 2026-01-19. Review status: criteria provided, single submitter. Criteria: Invitae Variant Classification Sherloc (09022015). Collection method: clinical testing. Allele origin: germline.

Blueprint Genetics
Classification: Likely benign. Last evaluated: 2022-09-16. Review status: criteria provided, single submitter. Criteria: ACMG Guidelines, 2015. Collection method: clinical testing. Allele origin: germline.

Ambry Genetics
Classification: Likely benign for Cardiovascular phenotype. Last evaluated: 2019-09-16. Review status: criteria provided, single submitter. Criteria: Ambry Variant Classification Scheme 2023. Collection method: clinical testing. Allele origin: germline.

GeneDx
Classification: Likely benign. Last evaluated: 2017-10-31. Review status: criteria provided, single submitter. Criteria: GeneDx Variant Classification (06012015). Collection method: clinical testing. Allele origin: germline. Affected: yes.
Comment: This variant is considered likely benign or benign based on one or more of the following criteria: it is a conservative change, it occurs at a poorly conserved position in the protein, it is predicted to be benign by multiple in silico algorithms, and/or has population frequency not consistent with disease.

NM_001367624.2(ZNF469):c.6204G>A (p.Leu2068=)

Gene: ZNF469 (zinc finger protein 469; plus strand). Cytogenetic location: 16q24.2.
Variant type: single nucleotide variant.
Coding change: c.6204G>A on transcript NM_001367624.2 (MANE Select); coding-DNA position 6204, G replaced by A.
Protein change: p.Leu2068=; no amino-acid change (leucine 2068 retained).
Molecular consequence: synonymous variant.
Genome position (GRCh38, 1-based): chr16:88,433,674, G>A. VCF-style: chr16-88433674-G-A. GRCh37 (hg19) VCF-style: chr16-88500082-G-A.
Other names: NM_001127464.1:c.6120G>A.
Identifiers: ClinVar variation 513038 (VCV000513038.7), dbSNP rs575840696, ClinGen allele CA286381274.